The following is an entry in ClinVar:

NM_018180.3(DHX32):c.889A>C (p.Asn297His)

Gene: DHX32 (DEAH-box helicase 32 (putative); minus strand). Cytogenetic location: 10q26.2.
Variant type: single nucleotide variant.
Coding change: c.889A>C on transcript NM_018180.3 (MANE Select); coding-DNA position 889, A replaced by C.
Protein change: p.Asn297His; replaces asparagine 297 with histidine.
Molecular consequence: missense variant.
Genome position (GRCh38, 1-based): chr10:125,854,164, T>G on the plus strand (A>C on the coding strand, the complement: DHX32 is on the minus strand). VCF-style: chr10-125854164-T-G. GRCh37 (hg19) VCF-style: chr10-127542733-T-G.
Other names: c.889A>C (NM_018180.2); short protein forms N297H.
Identifiers: ClinVar variation 2971276 (VCV002971276.4), dbSNP rs1315984479, ClinGen allele CA378677142.

ClinVar aggregate classification (germline): Uncertain significance. Review status: criteria provided, multiple submitters, no conflicts (2 of 4 stars). 2 submissions from 2 submitters: Uncertain significance (2). Last evaluated 2025-08-02.

Allele frequency attached by ClinVar (database versions not stated): gnomAD exomes below 0.00001; TOPMed 0.00002; gnomAD 0.00003.
gnomAD v4.1: 9 of 1,613,640 alleles (0.00056%); highest among the groups gnomAD compares: African/African-American, 0.011%; 1 homozygote.

Submissions (2):

Ambry Genetics
Classification: Uncertain significance. Last evaluated: 2025-08-02. Review status: criteria provided, single submitter. Criteria: Ambry Variant Classification Scheme 2023. Collection method: clinical testing. Allele origin: germline.

Labcorp Genetics (formerly Invitae), Labcorp
Classification: Uncertain significance. Last evaluated: 2025-01-21. Review status: criteria provided, single submitter. Criteria: Invitae Variant Classification Sherloc (09022015). Collection method: clinical testing. Allele origin: germline.
Comment: This sequence change replaces asparagine, which is neutral and polar, with histidine, which is basic and polar, at codon 297 of the DHX32 protein (p.Asn297His). This variant is present in population databases (no rsID available, gnomAD 0.02%). This variant has not been reported in the literature in individuals affected with DHX32-related conditions. ClinVar contains an entry for this variant (Variation ID: 2971276). An algorithm developed to predict the effect of missense changes on protein structure and function outputs the following: PolyPhen-2: "Benign". The histidine amino acid residue is found in multiple mammalian species, which suggests that this missense change does not adversely affect protein function. In summary, the available evidence is currently insufficient to determine the role of this variant in disease. Therefore, it has been classified as a Variant of Uncertain Significance.